The following is an entry in ClinVar:

NM_032793.5(MFSD2A):c.789C>T (p.Gly263=)

Gene: MFSD2A (MFSD2 lysolipid transporter A, lysophospholipid; plus strand). Cytogenetic location: 1p34.2.
Variant type: single nucleotide variant.
Coding change: c.789C>T on transcript NM_032793.5 (MANE Select); coding-DNA position 789, C replaced by T.
Protein change: p.Gly263=; no amino-acid change (glycine 263 retained).
Molecular consequence: synonymous variant. On other transcripts: non-coding transcript variant (1).
Genome position (GRCh38, 1-based): chr1:39,966,675, C>T. VCF-style: chr1-39966675-C-T. GRCh37 (hg19) VCF-style: chr1-40432347-C-T.
Other names: NC_000001.10:g.40432347C>T; c.828C>T, p.Gly276= (NM_001136493.3); c.321C>T, p.Gly107= (NM_001287808.2); c.672C>T, p.Gly224= (NM_001287809.2); c.783C>T, p.Gly261= (NM_001349821.2); c.789C>T, p.Gly263= (NM_001349822.2); c.444C>T, p.Gly148= (NM_001349823.2).
Identifiers: ClinVar variation 4429012 (VCV004429012.3).

ClinVar aggregate classification (germline): Likely benign. Review status: criteria provided, multiple submitters, no conflicts (2 of 4 stars). 2 submissions from 2 submitters: Likely benign (2). Last evaluated 2026-09-01.

Submissions (3):

CeGaT Center for Human Genetics Tuebingen
Classification: Likely benign. Last evaluated: 2026-09-01. Review status: criteria provided, single submitter. Criteria: CeGaT Center For Human Genetics Tuebingen Variant Classification Criteria Version 2. Collection method: clinical testing. Allele origin: germline. Affected: yes. Observed: 1 variant allele.
Comment: MFSD2A: BP4, BP7

Labcorp Genetics (formerly Invitae), Labcorp
Classification: Likely benign. Last evaluated: 2025-07-08. Review status: criteria provided, single submitter. Criteria: Invitae Variant Classification Sherloc (09022015). Collection method: clinical testing. Allele origin: germline.

Dr. Peter K. Rogan Lab, Western University
No classification provided (evidence only). Condition: Thyroid cancer, nonmedullary, 1. Review status: no classification provided. Collection method: in vitro. Allele origin: not applicable. Functional consequence: retained intron. Not counted in ClinVar's aggregate classification.